The following is an entry in ClinVar:

NM_001366282.2(GOLGB1):c.4635G>A (p.Arg1545=)

Gene: GOLGB1 (golgin B1; minus strand). Cytogenetic location: 3q13.33.
Variant type: single nucleotide variant.
Coding change: c.4635G>A on transcript NM_001366282.2 (MANE Select); coding-DNA position 4635, G replaced by A.
Protein change: p.Arg1545=; no amino-acid change (arginine 1545 retained).
Molecular consequence: synonymous variant.
Genome position (GRCh38, 1-based): chr3:121,695,888, C>T on the plus strand (G>A on the coding strand, the complement: GOLGB1 is on the minus strand). VCF-style: chr3-121695888-C-T. GRCh37 (hg19) VCF-style: chr3-121414735-C-T.
Other names: c.4635G>A, p.Arg1545= (NM_001256486.2); c.4518G>A, p.Arg1506= (NM_001256487.2); c.4395G>A, p.Arg1465= (NM_001256488.2, NM_001366284.2); c.4512G>A, p.Arg1504= (NM_001366283.2); c.4500G>A, p.Arg1500= (NM_001389631.1); c.4620G>A, p.Arg1540= (NM_004487.5).
Identifiers: ClinVar variation 2654070 (VCV002654070.24), dbSNP rs148168566, ClinGen allele CA2566177.

ClinVar aggregate classification (germline): Likely benign (1 of 4 stars; one submission).

Allele frequency attached by ClinVar (database versions not stated): ESP Exome Variant Server 0.00115; gnomAD 0.00092; ExAC 0.00101.
gnomAD v4.1: 2,087 of 1,613,846 alleles (0.13%); highest among the groups gnomAD compares: Non-Finnish European, 0.16%; 6 homozygotes.

Submission:

CeGaT Center for Human Genetics Tuebingen
Classification: Likely benign. Last evaluated: 2022-11-01. Review status: criteria provided, single submitter. Criteria: CeGaT Center For Human Genetics Tuebingen Variant Classification Criteria Version 2. Collection method: clinical testing. Allele origin: germline. Affected: yes. Observed: 1 variant allele.
Comment: GOLGB1: BP4, BP7